The following is an entry in ClinVar:

ClinVar aggregate classification (germline): Pathogenic. Review status: reviewed by expert panel (3 of 4 stars). 3 submissions from 3 submitters: Pathogenic (1). 2 of the submissions do not count toward it. Last evaluated 2016-10-18.

Conditions:
Breast-ovarian cancer, familial, susceptibility to, 1 (BROVCA1). Also called: BRCA1 Hereditary Breast and Ovarian Cancer; OVARIAN CANCER, SUSCEPTIBILITY TO. Identifiers: Orphanet 145, MedGen C2676676, MONDO:0011450, OMIM 604370. Disease mechanism: loss of function.

Submissions (3):

Evidence-based Network for the Interpretation of Germline Mutant Alleles (ENIGMA)
Classification: Pathogenic for Breast-ovarian cancer, familial, susceptibility to, 1. Last evaluated: 2016-10-18. Review status: reviewed by expert panel. Criteria: ENIGMA BRCA1/2 Classification Criteria (2015). Collection method: curation. Allele origin: germline.
Comment: Variant allele predicted to encode a truncated non-functional protein.

Genologica Medica
Classification: Pathogenic for Breast-ovarian cancer, familial, susceptibility to, 1. Last evaluated: 2017-01-01. Review status: criteria provided, single submitter. Criteria: ACMG Guidelines, 2015. Collection method: clinical testing. Allele origin: germline. Affected: yes. Not counted in ClinVar's aggregate classification.

Consortium of Investigators of Modifiers of BRCA1/2 (CIMBA), c/o University of Cambridge
Classification: Pathogenic for Breast-ovarian cancer, familial, susceptibility to, 1. Last evaluated: 2015-10-02. Review status: criteria provided, single submitter. Criteria: CIMBA Mutation Classification guidelines May 2016. Collection method: clinical testing. Allele origin: germline. Not counted in ClinVar's aggregate classification.

NM_007294.4(BRCA1):c.1651_1652insC (p.Ser551fs)

Gene: BRCA1 (BRCA1 DNA repair associated; minus strand). Cytogenetic location: 17q21.31.
Variant type: Insertion.
Coding change: c.1651_1652insC on transcript NM_007294.4 (MANE Select); coding-DNA positions 1651 to 1652, C inserted.
Protein change: p.Ser551fs; shifts the reading frame from serine 551.
Molecular consequence: frameshift variant. On other transcripts: intron variant (137).
Genome position: GRCh38 VCF-style: chr17-43093879-C-CG. GRCh37 (hg19) VCF-style: chr17-41245896-C-CG.
Other names: 1770insC; c.574+864_574+865insC (NM_001408493.1, NM_001408490.1, NM_001408491.1); c.454+864_454+865insC (NM_001408502.1); c.577+864_577+865insC (NM_001408489.1, NM_001408479.1, NM_001408482.1 and 9 more transcripts); c.661+864_661+865insC (NM_001408445.1, NM_001408432.1, NM_001408450.1 and 6 more transcripts); c.667+1966_667+1967insC (NM_001408431.1, NM_001408424.1, NM_001408421.1); c.784+864_784+865insC (NM_001408407.1, NM_001408402.1, NM_001408473.1 and 13 more transcripts); c.664+864_664+865insC (NM_001408443.1, NM_001408439.1, NM_001408425.1 and 12 more transcripts); and 41 more; short protein forms S504fs, S551fs, S423fs, S439fs, S440fs, S503fs, S255fs, S383fs.
Identifiers: ClinVar variation 266179 (VCV000266179.6), dbSNP rs886039961, ClinGen allele CA10589927.
Genomic context (GRCh38, chr17:43,093,879, plus strand): 5'-ATTGGGTTAGGATTTTTCTCATTCTGAATAGAATCACCTTTTGTTTTATTCTCATGACCA[C>CG]TATTAGTAATATTCATCACTTGACCATTCTGCTCCGTTTGGTTAGTTCCCTGATTTATCA-3'